The following is an entry in ClinVar:

NM_001374828.1(ARID1B):c.1170CGG[9] (p.Gly402_Ser403insGly)

Gene: ARID1B (AT-rich interaction domain 1B; plus strand). Cytogenetic location: 6q25.3.
Variant type: Microsatellite.
Coding change: c.1170CGG[9] on transcript NM_001374828.1 (MANE Select); nine copies in a row of the 3-base unit CGG starting at c.1170; the reference has eight copies in a row; one copy, 3 bases duplicated.
Protein change: p.Gly402_Ser403insGly.
Molecular consequence: inframe insertion.
Genome position (GRCh38, 1-based): chr6:156,778,871-156,778,873, CGG duplicated; duplicating any 3 consecutive bases within chr6:156,778,848-156,778,873 gives the same sequence; the position shown is the placement nearest the transcript's 3' end. VCF-style (leftmost placement, unchanged base first): chr6-156778847-G-GGGC. GRCh37 (hg19) VCF-style: chr6-157099981-G-GGGC.
Other names: c.1170CGG[9], p.Gly402_Ser403insGly (NM_001371656.1, NM_001374820.1, NM_017519.3); c.942_944dupCGG (NM_020732.3).
Identifiers: ClinVar variation 210313 (VCV000210313.24), dbSNP rs587779747, ClinGen allele CA205857.

ClinVar aggregate classification (germline): Benign/Likely benign. Review status: criteria provided, multiple submitters, no conflicts (2 of 4 stars). 7 submissions from 7 submitters: Benign (3); Likely benign (4). Last evaluated 2026-02-03.

Conditions:
Inborn genetic diseases. Identifiers: MedGen C0950123, MeSH D030342.
Coffin-Siris syndrome 1 (CSS1). Also called: ARID1B-Related Coffin-Siris Syndrome; Mental retardation, autosomal dominant 12. Identifiers: Orphanet 1465, MedGen C3281201, MONDO:0007617, OMIM 135900. Disease mechanism: gain of function.

Submissions (7):

Labcorp Genetics (formerly Invitae), Labcorp
Classification: Benign. Last evaluated: 2026-02-03. Review status: criteria provided, single submitter. Criteria: Invitae Variant Classification Sherloc (09022015). Collection method: clinical testing. Allele origin: germline.

Blueprint Genetics
Classification: Likely benign. Last evaluated: 2024-11-26. Review status: criteria provided, single submitter. Criteria: ACMG Guidelines, 2015. Collection method: clinical testing. Allele origin: germline.

GeneDx
Classification: Benign. Last evaluated: 2020-05-13. Review status: criteria provided, single submitter. Criteria: GeneDx Variant Classification Process June 2021. Collection method: clinical testing. Allele origin: germline. Affected: yes.

Centre for Mendelian Genomics, University Medical Centre Ljubljana
Classification: Likely benign for Coffin-Siris syndrome 1. Last evaluated: 2019-08-22. Review status: criteria provided, single submitter. Criteria: ACMG Guidelines, 2015. Collection method: clinical testing. Allele origin: unknown. Affected: yes.
Comment: This variant was classified as: Likely benign. The following ACMG criteria were applied in classifying this variant: BS2,BP3,BP6.

Ambry Genetics
Classification: Benign for Inborn genetic diseases. Last evaluated: 2017-04-14. Review status: criteria provided, single submitter. Criteria: Ambry Variant Classification Scheme 2023. Collection method: clinical testing. Allele origin: germline.

Center for Pediatric Genomic Medicine, Children's Mercy Hospital and Clinics
Classification: Likely benign. Last evaluated: 2017-03-10. Review status: criteria provided, single submitter. Criteria: ACMG Guidelines, 2015. Collection method: clinical testing. Allele origin: germline.

Genetic Services Laboratory, University of Chicago
Classification: Likely benign. Last evaluated: 2014-12-23. Review status: criteria provided, single submitter. Criteria: ACMG Guidelines, 2015. Collection method: clinical testing. Allele origin: germline.